The following is an entry in ClinVar:

NM_004656.4(BAP1):c.1682T>C (p.Leu561Pro)

Gene: BAP1 (BRCA1 associated deubiquitinase 1; minus strand). Cytogenetic location: 3p21.1.
Variant type: single nucleotide variant.
Coding change: c.1682T>C on transcript NM_004656.4 (MANE Select); coding-DNA position 1682, T replaced by C.
Protein change: p.Leu561Pro; replaces leucine 561 with proline.
Molecular consequence: missense variant.
Genome position (GRCh38, 1-based): chr3:52,403,463, A>G on the plus strand (T>C on the coding strand, the complement: BAP1 is on the minus strand). VCF-style: chr3-52403463-A-G. GRCh37 (hg19) VCF-style: chr3-52437479-A-G.
Other names: c.1628T>C, p.Leu543Pro (NM_001410772.1); short protein forms L543P, L561P.
Identifiers: ClinVar variation 3224438 (VCV003224438.1), dbSNP rs1705037486, ClinGen allele CA353099873.

ClinVar aggregate classification (germline): Uncertain significance (1 of 4 stars; one submission).

Conditions:
Hereditary cancer-predisposing syndrome. Also called: Tumor predisposition; Hereditary neoplastic syndrome; Hereditary Cancer Syndrome; Neoplastic Syndromes, Hereditary. Identifiers: Orphanet 140162, MedGen C0027672, MeSH D009386, MONDO:0015356.

Submission:

Ambry Genetics
Classification: Uncertain significance for Hereditary cancer-predisposing syndrome. Last evaluated: 2023-10-16. Review status: criteria provided, single submitter. Criteria: Ambry Variant Classification Scheme 2023. Collection method: clinical testing. Allele origin: germline.
Comment: The p.L561P variant (also known as c.1682T>C), located in coding exon 13 of the BAP1 gene, results from a T to C substitution at nucleotide position 1682. The leucine at codon 561 is replaced by proline, an amino acid with similar properties. This amino acid position is conserved. In addition, this alteration is predicted to be deleterious by in silico analysis. Since supporting evidence is limited at this time, the clinical significance of this alteration remains unclear.